The following is an entry in ClinVar:

NM_001020658.2(PUM1):c.365T>A (p.Val122Glu)

Gene: PUM1 (pumilio RNA binding family member 1; minus strand). Cytogenetic location: 1p35.2.
Variant type: single nucleotide variant.
Coding change: c.365T>A on transcript NM_001020658.2 (MANE Select); coding-DNA position 365, T replaced by A.
Protein change: p.Val122Glu; replaces valine 122 with glutamic acid.
Molecular consequence: missense variant.
Genome position (GRCh38, 1-based): chr1:31,028,863, A>T on the plus strand (T>A on the coding strand, the complement: PUM1 is on the minus strand). VCF-style: chr1-31028863-A-T. GRCh37 (hg19) VCF-style: chr1-31501710-A-T.
Other names: c.365T>A, p.Val122Glu (NM_014676.3); short protein forms V122E.
Identifiers: ClinVar variation 3365725 (VCV003365725.1).

ClinVar aggregate classification (germline): Uncertain significance (1 of 4 stars; one submission).

Submission:

GeneDx
Classification: Uncertain significance. Last evaluated: 2023-12-18. Review status: criteria provided, single submitter. Criteria: GeneDx Variant Classification Process June 2021. Collection method: clinical testing. Allele origin: germline. Affected: yes.
Comment: Not observed at significant frequency in large population cohorts (gnomAD); In silico analysis supports that this missense variant does not alter protein structure/function; Has not been previously published as pathogenic or benign to our knowledge